The following is an entry in ClinVar:

NM_001791.4(CDC42):c.414T>A (p.Thr138=)

Gene: CDC42 (cell division cycle 42; plus strand). Cytogenetic location: 1p36.12.
Variant type: single nucleotide variant.
Coding change: c.414T>A on transcript NM_001791.4 (MANE Select); coding-DNA position 414, T replaced by A.
Protein change: p.Thr138=; no amino-acid change (threonine 138 retained).
Molecular consequence: synonymous variant.
Genome position (GRCh38, 1-based): chr1:22,086,794, T>A. VCF-style: chr1-22086794-T-A. GRCh37 (hg19) VCF-style: chr1-22413287-T-A.
Other names: c.414T>A, p.Thr138= (NM_001039802.2, NM_044472.3).
Identifiers: ClinVar variation 1588030 (VCV001588030.33), dbSNP rs376287924, ClinGen allele CA675131.

ClinVar aggregate classification (germline): Likely benign. Review status: criteria provided, multiple submitters, no conflicts (2 of 4 stars). 3 submissions from 3 submitters: Likely benign (3). Last evaluated 2025-08-26.

Allele frequency attached by ClinVar (database versions not stated): gnomAD 0.00001; TOPMed 0.00003; ESP Exome Variant Server 0.00008.
gnomAD v4.1: 23 of 1,613,918 alleles (0.0014%); highest among the groups gnomAD compares: Non-Finnish European, 0.0019%; no homozygotes.

Submissions (3):

Labcorp Genetics (formerly Invitae), Labcorp
Classification: Likely benign. Last evaluated: 2025-08-26. Review status: criteria provided, single submitter. Criteria: Invitae Variant Classification Sherloc (09022015). Collection method: clinical testing. Allele origin: germline.

Blueprint Genetics
Classification: Likely benign. Last evaluated: 2024-07-10. Review status: criteria provided, single submitter. Criteria: ACMG Guidelines, 2015. Collection method: clinical testing. Allele origin: germline.

CeGaT Center for Human Genetics Tuebingen
Classification: Likely benign. Last evaluated: 2023-08-01. Review status: criteria provided, single submitter. Criteria: CeGaT Center For Human Genetics Tuebingen Variant Classification Criteria Version 2. Collection method: clinical testing. Allele origin: germline. Affected: yes. Observed: 3 variant alleles.
Comment: CDC42: BP4, BP7